The following is an entry in ClinVar:

ClinVar aggregate classification (germline): Conflicting classifications of pathogenicity. Review status: criteria provided, conflicting classifications (1 of 4 stars). 4 submissions from 3 submitters: Uncertain significance (2); Likely benign (2). Last evaluated 2025-03-28.

Conditions:
Metaphyseal anadysplasia. Also called: Early-onset regressive form of metaphyseal dysplasia. Identifiers: Orphanet 1040, MedGen C0432226, MONDO:0015177.
Spondyloepimetaphyseal dysplasia, Missouri type. Identifiers: Orphanet 1040, Orphanet 93356, MedGen C1865832, MONDO:0011198, OMIM 602111.

Allele frequency attached by ClinVar (database versions not stated): gnomAD 0.00004 and 0.00005; TOPMed 0.00005; ESP Exome Variant Server 0.00008; gnomAD exomes 0.00012 and 0.00018; ExAC 0.00020.

Submissions (4):

Labcorp Genetics (formerly Invitae), Labcorp
Classification: Uncertain significance. Last evaluated: 2025-03-28. Review status: criteria provided, single submitter. Criteria: Invitae Variant Classification Sherloc (09022015). Collection method: clinical testing. Allele origin: germline.
Comment: This sequence change replaces aspartic acid, which is acidic and polar, with valine, which is neutral and non-polar, at codon 257 of the MMP13 protein (p.Asp257Val). This variant is present in population databases (rs140993310, gnomAD 0.09%). This variant has not been reported in the literature in individuals affected with MMP13-related conditions. ClinVar contains an entry for this variant (Variation ID: 301987). Invitae Evidence Modeling of protein sequence and biophysical properties (such as structural, functional, and spatial information, amino acid conservation, physicochemical variation, residue mobility, and thermodynamic stability) indicates that this missense variant is expected to disrupt MMP13 protein function with a positive predictive value of 80%. In summary, the available evidence is currently insufficient to determine the role of this variant in disease. Therefore, it has been classified as a Variant of Uncertain Significance.

GeneDx
Classification: Uncertain significance. Last evaluated: 2022-11-17. Review status: criteria provided, single submitter. Criteria: GeneDx Variant Classification Process June 2021. Collection method: clinical testing. Allele origin: germline. Affected: yes.
Comment: Reported in an abstract presented at the 2017 Alzheimer's Association International Conference as part of a complex allele ([p.Lys170Thr;p.Asp257Val]) in a family affected with frontotemporal dementia; In silico analysis, which includes protein predictors and evolutionary conservation, supports a deleterious effect; Has not been previously published in a peer reviewed journal as pathogenic or benign to our knowledge

Illumina Laboratory Services, Illumina
Classification: Likely benign for Metaphyseal anadysplasia. Last evaluated: 2017-04-28. Review status: criteria provided, single submitter. Criteria: ICSL Variant Classification Criteria 13 December 2019. Collection method: clinical testing. Allele origin: germline.
Comment: This variant was observed as part of a predisposition screen in an ostensibly healthy population. A literature search was performed for the gene, cDNA change, and amino acid change (where applicable). No publications were found based on this search. Allele frequency data from public databases allowed determination this variant is unlikely to cause disease. Therefore, this variant is classified as likely benign.

Illumina Laboratory Services, Illumina
Classification: Likely benign for Spondyloepimetaphyseal dysplasia, Missouri type. Last evaluated: 2017-04-28. Review status: criteria provided, single submitter. Criteria: ICSL Variant Classification Criteria 13 December 2019. Collection method: clinical testing. Allele origin: germline.
Comment: the same text as in the submission from Illumina Laboratory Services, Illumina above.

NM_002427.4(MMP13):c.770A>T (p.Asp257Val)

Gene: MMP13 (matrix metallopeptidase 13; minus strand). Cytogenetic location: 11q22.2.
Variant type: single nucleotide variant.
Coding change: c.770A>T on transcript NM_002427.4 (MANE Select); coding-DNA position 770, A replaced by T.
Protein change: p.Asp257Val; replaces aspartic acid 257 with valine.
Molecular consequence: missense variant.
Genome position (GRCh38, 1-based): chr11:102,952,041, T>A on the plus strand (A>T on the coding strand, the complement: MMP13 is on the minus strand). VCF-style: chr11-102952041-T-A. GRCh37 (hg19) VCF-style: chr11-102822770-T-A.
Other names: short protein forms D257V.
Identifiers: ClinVar variation 301987 (VCV000301987.13), dbSNP rs140993310, ClinGen allele CA6251902.
Genomic context (GRCh38, chr11:102,952,041, plus strand): 5'-TGATCATATTCTATTTCTATAACCGAGTTACCATAGAGAGACTGGATCCCTTGTACATCG[T>A]CATCAGGAAGCATAAAGTGGCTTTTGCCGGTGTAGGTGTAGATAGGAAACATGAGTGCTC-3'
Protein context (NP_002418.1, residues 247-267): TGKSHFMLPD[Asp257Val]DVQGIQSLYG